The following is an entry in ClinVar:

NM_002224.4(ITPR3):c.1843G>A (p.Val615Met)

Gene: ITPR3 (inositol 1,4,5-trisphosphate receptor type 3; plus strand). Cytogenetic location: 6p21.31.
Variant type: single nucleotide variant.
Coding change: c.1843G>A on transcript NM_002224.4 (MANE Select); coding-DNA position 1843, G replaced by A.
Protein change: p.Val615Met; replaces valine 615 with methionine.
Molecular consequence: missense variant.
Genome position (GRCh38, 1-based): chr6:33,667,921, G>A. VCF-style: chr6-33667921-G-A. GRCh37 (hg19) VCF-style: chr6-33635698-G-A.
Other names: short protein forms V615M.
Identifiers: ClinVar variation 1722508 (VCV001722508.3), dbSNP rs2533046082, ClinGen allele CA363695997.

ClinVar aggregate classification (germline): Likely pathogenic. Review status: criteria provided, single submitter (1 of 4 stars). 2 submissions from 2 submitters: Likely pathogenic (1). 1 of the submissions does not count toward it.

Conditions:
Charcot-Marie-Tooth disease, demyelinating, type 1J. Also called: CHARCOT-MARIE-TOOTH NEUROPATHY, DEMYELINATING, TYPE 1J. Identifiers: MedGen C5774249, MONDO:0859311, OMIM 620111.

Submissions (2):

Juno Genomics, Hangzhou Juno Genomics, Inc
Classification: Likely pathogenic for Charcot-Marie-Tooth disease, demyelinating, type 1J. Review status: criteria provided, single submitter. Criteria: ACMG Guidelines, 2015. Collection method: clinical testing. Allele origin: germline.
Comment: Absent from controls (or at extremely low frequency if recessive) in Genome Aggregation Database.;Missense variant in a gene that has a low rate of benign missense variation.;Co-segregation with disease in multiple affected family members.;Patient's phenotype or family history is highly specific for a disease with a single genetic etiology.;Well-established in vitro or in vivo functional studies supportive of a damaging effect on the gene or gene product.

OMIM
Classification: Pathogenic for CHARCOT-MARIE-TOOTH DISEASE, DEMYELINATING, TYPE 1J. Last evaluated: 2022-11-03. Review status: no assertion criteria provided. Collection method: literature only. Allele origin: germline. Not counted in ClinVar's aggregate classification.

Literature cited by the submitters: PubMed 32949214 (cited by OMIM).